The following is an entry in ClinVar:

ClinVar aggregate classification (germline): Benign/Likely benign. Review status: criteria provided, multiple submitters, no conflicts (2 of 4 stars). 2 submissions from 2 submitters: Benign (1); Likely benign (1). Last evaluated 2025-10-21.

Conditions:
Renal hypomagnesemia 4. Also called: HYPOMAGNESEMIA, RENAL, NORMOCALCIURIC. Identifiers: Orphanet 34527, MedGen C2673648, MONDO:0012717, OMIM 611718.

Allele frequency attached by ClinVar (database versions not stated): ESP Exome Variant Server 0.00008; gnomAD 0.00031 and 0.00054; TOPMed 0.00036; gnomAD exomes 0.00099; ExAC 0.00113; 1000 Genomes Project 30x 0.00172; 1000 Genomes Project 0.00220.
gnomAD v4.1: 818 of 1,614,010 alleles (0.051%); highest among the groups gnomAD compares: South Asian, 0.75%; 16 homozygotes.

Submissions (2):

Labcorp Genetics (formerly Invitae), Labcorp
Classification: Benign. Last evaluated: 2025-10-21. Review status: criteria provided, single submitter. Criteria: Invitae Variant Classification Sherloc (09022015). Collection method: clinical testing. Allele origin: germline.

Illumina Laboratory Services, Illumina
Classification: Likely benign for Renal hypomagnesemia 4. Last evaluated: 2018-01-13. Review status: criteria provided, single submitter. Criteria: ICSL Variant Classification Criteria 13 December 2019. Collection method: clinical testing. Allele origin: germline.
Comment: This variant was observed in the ICSL laboratory as part of a predisposition screen in an ostensibly healthy population. It had not been previously curated by ICSL or reported in the Human Gene Mutation Database (HGMD: prior to June 1st, 2018), and was therefore a candidate for classification through an automated scoring system. Utilizing variant allele frequency, disease prevalence and penetrance estimates, and inheritance mode, an automated score was calculated to assess if this variant is too frequent to cause the disease. Based on the score and internal cut-off values, a variant classified as likely benign is not then subjected to further curation. The score for this variant resulted in a classification of likely benign for this disease.

NM_001963.6(EGF):c.2297C>T (p.Ser766Leu)

Genes: EGF (epidermal growth factor; plus strand), LOC126807134 (BRD4-independent group 4 enhancer GRCh37_chr4:110900995-110902194; plus strand). Cytogenetic location: 4q25.
Variant type: single nucleotide variant.
Coding change: c.2297C>T on transcript NM_001963.6 (MANE Select); coding-DNA position 2297, C replaced by T.
Protein change: p.Ser766Leu; replaces serine 766 with leucine.
Molecular consequence: missense variant.
Genome position (GRCh38, 1-based): chr4:109,980,901, C>T. VCF-style: chr4-109980901-C-T. GRCh37 (hg19) VCF-style: chr4-110902057-C-T.
Other names: c.2297C>T, p.Ser766Leu (NM_001178130.3); c.2171C>T, p.Ser724Leu (NM_001178131.3, NM_001357021.2); short protein forms S724L, S766L.
Identifiers: ClinVar variation 901214 (VCV000901214.11), dbSNP rs144595306, ClinGen allele CA3043927.
Genomic context (GRCh38, chr4:109,980,901, plus strand): 5'-TATATCAAAACGGAGGCTGTGAACATATTTGCAAAAAGAGGCTTGGAACTGCTTGGTGTT[C>T]GTGTCGTGAAGGTTTTATGAAAGCCTCAGATGGGAAAACGTGTCTGGCTCTGGATGGTCA-3'
Protein context (NP_001954.2, residues 756-776): CKKRLGTAWC[Ser766Leu]CREGFMKASD